The following is an entry in ClinVar:

ClinVar aggregate classification (germline): Uncertain significance. Review status: criteria provided, multiple submitters, no conflicts (2 of 4 stars). 2 submissions from 2 submitters: Uncertain significance (2). Last evaluated 2025-09-08.

Conditions:
Delpire-McNeill syndrome. Also called: SLC12A2-related autosomal dominant infantile-developmental delay-intellectual disability-sensorineural deafness syndrome. Identifiers: Orphanet 633024, MedGen C5436771, MONDO:0033667, OMIM 619083.

gnomAD v4.1: 1 of 1,614,048 alleles (0.000062%); highest among the groups gnomAD compares: Non-Finnish European, 0.000085%; no homozygotes.

Submissions (2):

MVZ Martinsried, Medicover Genetics
Classification: Uncertain significance for Delpire-McNeill syndrome. Last evaluated: 2025-09-08. Review status: criteria provided, single submitter. Criteria: ClinGen Variant Curation SOP V3.2 + Classification Guidance July2025. Collection method: clinical testing. Allele origin: inherited. Affected: yes. Observed: 1 heterozygote.

CeGaT Center for Human Genetics Tuebingen
Classification: Uncertain significance. Last evaluated: 2024-12-01. Review status: criteria provided, single submitter. Criteria: CeGaT Center For Human Genetics Tuebingen Variant Classification Criteria Version 2. Collection method: clinical testing. Allele origin: germline. Affected: yes. Observed: 1 variant allele.
Comment: SLC12A2: PM2, PP3

NM_001046.3(SLC12A2):c.1183C>G (p.Leu395Val)

Gene: SLC12A2 (solute carrier family 12 member 2; plus strand). Cytogenetic location: 5q23.3.
Variant type: single nucleotide variant.
Coding change: c.1183C>G on transcript NM_001046.3 (MANE Select); coding-DNA position 1183, C replaced by G.
Protein change: p.Leu395Val; replaces leucine 395 with valine.
Molecular consequence: missense variant. On other transcripts: non-coding transcript variant (1).
Genome position (GRCh38, 1-based): chr5:128,131,201, C>G. VCF-style: chr5-128131201-C-G. GRCh37 (hg19) VCF-style: chr5-127466893-C-G.
Other names: c.1183C>G, p.Leu395Val (NM_001256461.2); short protein forms L395V.
Identifiers: ClinVar variation 3771978 (VCV003771978.14).